The following is an entry in ClinVar:

ClinVar aggregate classification (germline): Likely benign. Review status: criteria provided, multiple submitters, no conflicts (2 of 4 stars). 2 submissions from 2 submitters: Likely benign (2). Last evaluated 2025-11-09.

Conditions:
Intellectual developmental disorder, X-linked 1. Also called: MENTAL RETARDATION, X-LINKED 18; MENTAL RETARDATION, X-LINKED 78; Atkin Flaitz Patil Smith syndrome; Intellectual disability, X-linked 1. Identifiers: Orphanet 777, MedGen C2931498, MONDO:0010656, OMIM 309530.
IQSEC2-related disorder. Also called: IQSEC2-related condition.

Allele frequency attached by ClinVar (database versions not stated): ExAC 0.00005; gnomAD 0.00003; gnomAD exomes 0.00002; TOPMed 0.00002.
gnomAD v4.1: 23 of 1,172,541 alleles (0.002%); highest among the groups gnomAD compares: East Asian, 0.003%; no homozygotes.

Submissions (2):

PreventionGenetics, part of Exact Sciences
Classification: Likely benign for IQSEC2-related condition. Last evaluated: 2025-11-09. Review status: criteria provided, single submitter. Criteria: ACMG Guidelines, 2015. Collection method: clinical testing. Allele origin: germline.
Comment: This variant is classified as likely benign based on ACMG/AMP sequence variant interpretation guidelines (Richards et al. 2015 PMID: 25741868, with internal and published modifications).

Labcorp Genetics (formerly Invitae), Labcorp
Classification: Likely benign for Intellectual developmental disorder, X-linked 1. Last evaluated: 2025-04-01. Review status: criteria provided, single submitter. Criteria: Invitae Variant Classification Sherloc (09022015). Collection method: clinical testing. Allele origin: germline.

NM_001111125.3(IQSEC2):c.750T>C (p.Asp250=)

Gene: IQSEC2 (IQ motif and Sec7 domain ArfGEF 2; minus strand). Cytogenetic location: Xp11.22.
Variant type: single nucleotide variant.
Coding change: c.750T>C on transcript NM_001111125.3 (MANE Select); coding-DNA position 750, T replaced by C.
Protein change: p.Asp250=; no amino-acid change (aspartic acid 250 retained).
Molecular consequence: synonymous variant.
Genome position (GRCh38, 1-based): chrX:53,256,049, A>G on the plus strand (T>C on the coding strand, the complement: IQSEC2 is on the minus strand). VCF-style: chrX-53256049-A-G. GRCh37 (hg19) VCF-style: chrX-53285231-A-G.
Other names: c.750T>C, p.Asp250= (NM_001410736.1); c.135T>C, p.Asp45= (NM_015075.2); c.750T>C (NM_001111125.2).
Identifiers: ClinVar variation 1908534 (VCV001908534.6), dbSNP rs782068325, ClinGen allele CA10420149.
Genomic context (GRCh38, chrX:53,256,049, plus strand): 5'-CCGGTAGGGGGGTTGGCTCCCAGGACTATCAACCGCTGTGCTCAGGTCACTGCCTGGGGC[A>G]TCACCCTCCACACTGTGGGGATGAGATAAGATGAGCCAGGATGTGGGGACAGGACAGGGG-3'
Protein context (NP_001104595.1, residues 240-260): ENSRTVSVEG[Asp250=]APGSDLSTAV